The following is an entry in ClinVar:

NM_004629.2(FANCG):c.1144-1G>C

Gene: FANCG (FA complementation group G; minus strand). Cytogenetic location: 9p13.3.
Variant type: single nucleotide variant.
Coding change: c.1144-1G>C on transcript NM_004629.2 (MANE Select); the canonical splice acceptor site of the intron before coding-DNA position 1144, G replaced by C.
Molecular consequence: splice acceptor variant.
Genome position (GRCh38, 1-based): chr9:35,075,755, C>G on the plus strand (G>C on the coding strand, the complement: FANCG is on the minus strand). VCF-style: chr9-35075755-C-G. GRCh37 (hg19) VCF-style: chr9-35075752-C-G.
Identifiers: ClinVar variation 929693 (VCV000929693.6), dbSNP rs755363896, ClinGen allele CA373309775.

ClinVar aggregate classification (germline): Pathogenic/Likely pathogenic. Review status: criteria provided, multiple submitters, no conflicts (2 of 4 stars). 5 submissions from 5 submitters: Pathogenic (3); Likely pathogenic (1). 1 of the submissions does not count toward it. Last evaluated 2025-11-23.

Conditions:
Fanconi anemia complementation group G. Also called: FANCG-Related Fanconi Anemia; Fanconi anemia group G. Identifiers: Orphanet 84, MedGen C3469527, MONDO:0013565, OMIM 614082.
Fanconi anemia (FA). Also called: Fanconi's anemia. Identifiers: Orphanet 84, MedGen C0015625, MeSH D005199, MONDO:0019391.

Allele frequency attached by ClinVar (database versions not stated): TOPMed 0.00001.

Submissions (5):

Labcorp Genetics (formerly Invitae), Labcorp
Classification: Pathogenic for Fanconi anemia. Last evaluated: 2025-11-23. Review status: criteria provided, single submitter. Criteria: Invitae Variant Classification Sherloc (09022015). Collection method: clinical testing. Allele origin: germline.
Comment: This sequence change affects an acceptor splice site in intron 9 of the FANCG gene. It is expected to disrupt RNA splicing. Variants that disrupt the donor or acceptor splice site typically lead to a loss of protein function (PMID: 16199547), and loss-of-function variants in FANCG are known to be pathogenic (PMID: 12552564). This variant is not present in population databases (gnomAD no frequency). Disruption of this splice site has been observed in individuals with Fanconi anemia (PMID: 11093276, 24584348). ClinVar contains an entry for this variant (Variation ID: 929693). Algorithms developed to predict the effect of sequence changes on RNA splicing suggest that this variant may create or strengthen a splice site. For these reasons, this variant has been classified as Pathogenic.

Natera, Inc.
Classification: Pathogenic for Fanconi anemia group G. Last evaluated: 2024-09-19. Review status: criteria provided, single submitter. Criteria: Natera Variant Classification Schema (03/2026). Collection method: clinical testing. Allele origin: germline.
Comment: The c.1144-1G>C variant in FANCG is a canonical splice acceptor site variant predicted to affect pre-mRNA splicing, which may result in an abnormal transcript and altered protein product. This variant is expected to result in nonsense mediated decay, truncation, or a dysfunctional protein product. This variant is rare in the general population with a frequency below the threshold expected for the associated phenotype(s). This variant has been observed in one or more individuals affected with the associated recessive disease, as either homozygous or compound heterozygous with a second variant (PMID: 12552564). Another variant at this same site results in an alteration predicted to cause a similar molecular effect has been observed in individual(s) with the associated phenotype. Given the available evidence, this variant is classified as Pathogenic.

Fulgent Genetics
Classification: Likely pathogenic for Fanconi anemia complementation group G. Last evaluated: 2024-03-26. Review status: criteria provided, single submitter. Criteria: ACMG Guidelines, 2015. Collection method: clinical testing. Allele origin: germline.

Baylor Genetics
Classification: Pathogenic for Fanconi anemia complementation group G. Last evaluated: 2023-11-16. Review status: criteria provided, single submitter. Criteria: ACMG Guidelines, 2015. Collection method: clinical testing. Allele origin: unknown.

Leiden Open Variation Database
Classification: Pathogenic for Fanconi anemia complementation group G. Last evaluated: 2011-02-07. Review status: no assertion criteria provided. Collection method: curation. Allele origin: germline. Affected: yes. Not counted in ClinVar's aggregate classification.
Comment: Curator: Arleen D. Auerbach. Submitter to LOVD: Arleen D. Auerbach.

Literature cited by the submitters: PubMed 16199547 (cited by Labcorp Genetics (formerly Invitae), Labcorp); PubMed 12552564 (cited by 3 submitters); PubMed 11093276 (cited by Labcorp Genetics (formerly Invitae), Labcorp and Leiden Open Variation Database); PubMed 24584348 (cited by Labcorp Genetics (formerly Invitae), Labcorp).